The following is an entry in ClinVar:

ClinVar aggregate classification (germline): Conflicting classifications of pathogenicity. Review status: criteria provided, conflicting classifications (1 of 4 stars). 7 submissions from 5 submitters: Likely pathogenic (1); Uncertain significance (4); Likely benign (1). 1 of the submissions does not count toward it. Last evaluated 2025-10-31.

Conditions:
Usher syndrome type 1 (USH1). Also called: RETINITIS PIGMENTOSA AND CONGENITAL DEAFNESS. Identifiers: Orphanet 231169, Orphanet 886, MedGen C1568247, MONDO:0010168, OMIM 276900.
Autosomal recessive nonsyndromic hearing loss 2. Also called: DEAFNESS, AUTOSOMAL RECESSIVE 2; NEUROSENSORY NONSYNDROMIC RECESSIVE DEAFNESS 2. Identifiers: Orphanet 90636, MedGen C1838701, MONDO:0010807, OMIM 600060.
Autosomal dominant nonsyndromic hearing loss 11. Identifiers: Orphanet 90635, MedGen C1832475, MONDO:0011032, OMIM 601317.
Usher syndrome type 1B (USH1B). Also called: Usher syndrome type IB. Identifiers: MedGen C1848638, MONDO:0700087.

Allele frequency attached by ClinVar (database versions not stated): gnomAD 0.00002; TOPMed 0.00002; gnomAD exomes 0.00006; ExAC 0.00023.
gnomAD v4.1: 15 of 1,581,324 alleles (0.00095%); highest among the groups gnomAD compares: East Asian, 0.021%; no homozygotes.

Submissions (7):

Natera, Inc.
Classification: Likely pathogenic for Usher syndrome type 1B. Last evaluated: 2025-10-31. Review status: criteria provided, single submitter. Criteria: Natera Variant Classification Schema (03/2026). Collection method: clinical testing. Allele origin: germline.
Comment: The c.1142C>T variant in MYO7A is a missense variant predicted to cause substitution of threonine to methionine at amino acid 381. This variant is rare in the general population with a frequency below the threshold expected for the associated phenotype(s). This variant has been observed in affected individual(s) with monoallelic occurrence (heterozygous/hemizygous) (PMID: 23451214, 19299023, 36597107). This variant has been confirmed as or assumed to be a de novo occurrence in one or more affected individuals (PMID: 19299023). Given the available evidence, this variant is classified as Likely Pathogenic.

Labcorp Genetics (formerly Invitae), Labcorp
Classification: Likely benign. Last evaluated: 2023-12-13. Review status: criteria provided, single submitter. Criteria: Invitae Variant Classification Sherloc (09022015). Collection method: clinical testing. Allele origin: germline.

Women's Health and Genetics/Laboratory Corporation of America, LabCorp
Classification: Uncertain significance. Last evaluated: 2023-07-20. Review status: criteria provided, single submitter. Criteria: LabCorp Variant Classification Summary - May 2015. Collection method: clinical testing. Allele origin: germline.
Comment: Variant summary: MYO7A c.1142C>T (p.Thr381Met) results in a non-conservative amino acid change located in the motor domain (IPR001609) of the encoded protein sequence. Three of five in-silico tools predict a damaging effect of the variant on protein function. The variant allele was found at a frequency of 5.6e-05 in 194800 control chromosomes (i.e., 11 heterozygotes), predominantly at a frequency of 0.0007 within the East Asian subpopulation in the gnomAD database. Although this frequency is not significantly higher than estimated for a pathogenic variant in MYO7A causing autosomal recessive Usher Syndrome (5.6e-05 vs 0.0061), the lack of complete phenotype data on the individuals within this cohort and this frequency does not allow conclusions about variant significance for either dominant or recessive association with disease. c.1142C>T has been reported in the literature predominantly in East Asian cohorts among several unrelated heterozygous individuals with hearing loss (e.g.,Li_2021), including as a de novo variant (e.g., Su_2009), and has also been identified in heterozygous affected individuals from the same family, suggesting the variant may segregate with disease (e.g., Wu_2013). Additionally, the variant has been reported in at least two compound heterozygous individuals with hearing loss, once in trans with a variant of uncertain significance (e.g., Yan_2016) and also in trans with a variant associated with autosomal dominant disease and recognized as likely pathogenic (e.g., Pan_2022). These reports therefore do not provide unequivocal conclusions about association of the variant with Usher Syndrome or hearing loss. To our knowledge, no experimental evidence demonstrating an impact on protein function has been reported. The following publications have been ascertained in the context of this evaluation (PMID: 33724713, 35640668, 19299023, 23451214, 27344577). Three submitters have reported clinical-significance assessments for this variant to ClinVar after 2014; two submitters classified the variant as VUS, and one submitter classified it as likely benign. Based on the evidence outlined above, a lack of experimental evidence on the variant effect, and ambiguity related to the exact inheritance pattern (dominant or recessive), the variant was classified as uncertain significance.

Illumina Laboratory Services, Illumina
Classification: Uncertain significance for Autosomal recessive nonsyndromic hearing loss 2. Last evaluated: 2017-04-27. Review status: criteria provided, single submitter. Criteria: ICSL Variant Classification Criteria 13 December 2019. Collection method: clinical testing. Allele origin: germline.

Illumina Laboratory Services, Illumina
Classification: Uncertain significance for Usher syndrome type 1. Last evaluated: 2017-04-27. Review status: criteria provided, single submitter. Criteria: ICSL Variant Classification Criteria 13 December 2019. Collection method: clinical testing. Allele origin: germline.

Illumina Laboratory Services, Illumina
Classification: Uncertain significance for Autosomal dominant nonsyndromic hearing loss 11. Last evaluated: 2017-04-27. Review status: criteria provided, single submitter. Criteria: ICSL Variant Classification Criteria 13 December 2019. Collection method: clinical testing. Allele origin: germline.
Comment: This variant was observed as part of a predisposition screen in an ostensibly healthy population. A literature search was performed for the gene, cDNA change, and amino acid change (where applicable). Publications were found based on this search. However, the evidence from the literature, in combination with allele frequency data from public databases where available, was not sufficient to rule this variant in or out of causing disease. Therefore, this variant is classified as a variant of unknown significance.

Counsyl
Classification: Uncertain significance for Usher syndrome type 1; Autosomal recessive nonsyndromic hearing loss 2. Last evaluated: 2017-06-30. Review status: no assertion criteria provided. Collection method: clinical testing. Allele origin: unknown. Not counted in ClinVar's aggregate classification.

Literature cited by the submitters: PubMed 23451214 (cited by 4 submitters); PubMed 19299023 (cited by 4 submitters); PubMed 36597107 (cited by Natera, Inc.); PubMed 27344577 (cited by Women's Health and Genetics/Laboratory Corporation of America, LabCorp and Counsyl); PubMed 33724713 (cited by Women's Health and Genetics/Laboratory Corporation of America, LabCorp); PubMed 35640668 (cited by Women's Health and Genetics/Laboratory Corporation of America, LabCorp).

NM_000260.4(MYO7A):c.1142C>T (p.Thr381Met)

Gene: MYO7A (myosin VIIA; plus strand). Cytogenetic location: 11q13.5.
Variant type: single nucleotide variant.
Coding change: c.1142C>T on transcript NM_000260.4 (MANE Select); coding-DNA position 1142, C replaced by T.
Protein change: p.Thr381Met; replaces threonine 381 with methionine.
Molecular consequence: missense variant.
Genome position (GRCh38, 1-based): chr11:77,160,224, C>T. VCF-style: chr11-77160224-C-T. GRCh37 (hg19) VCF-style: chr11-76871270-C-T.
Other names: c.1142C>T, p.Thr381Met (NM_001127180.2); c.1109C>T, p.Thr370Met (NM_001369365.1); short protein forms T381M, T370M.
Identifiers: ClinVar variation 552693 (VCV000552693.12), dbSNP rs782681743, ClinGen allele CA6197395.